The following is an entry in ClinVar:

NM_025136.4(OPA3):c.*2485G>A

Genes: OPA3 (outer mitochondrial membrane lipid metabolism regulator OPA3; minus strand), OPA3-RTN2 (OPA3-RTN2 readthrough; minus strand). Cytogenetic location: 19q13.32.
Variant type: single nucleotide variant.
Coding change: c.*2485G>A on transcript NM_025136.4 (MANE Select); 2485 bases downstream of the stop codon, G replaced by A.
Molecular consequence: 3 prime UTR variant. On other transcripts: intron variant (1).
Genome position (GRCh38, 1-based): chr19:45,551,029, C>T on the plus strand (G>A on the coding strand, the complement: OPA3 is on the minus strand). VCF-style: chr19-45551029-C-T. GRCh37 (hg19) VCF-style: chr19-46054287-C-T.
Other names: c.143-21573G>A (NM_001017989.3).
Identifiers: ClinVar variation 329641 (VCV000329641.6), dbSNP rs8106584, ClinGen allele CA10652581.

ClinVar aggregate classification (germline): Benign. Review status: criteria provided, multiple submitters, no conflicts (2 of 4 stars). 3 submissions from 2 submitters: Benign (3). Last evaluated 2018-01-12.

Conditions:
3-Methylglutaconic aciduria type 3 (MGCA3). Also called: OPA3, AUTOSOMAL RECESSIVE; OPTIC ATROPHY 3, AUTOSOMAL RECESSIVE; Costeff Syndrome; OPA3-Related 3-Methylglutaconic Aciduria. Identifiers: Orphanet 67047, MedGen C0574084, MONDO:0009787, OMIM 258501.
Optic atrophy 3 (OPA3). Also called: OPTIC ATROPHY 3, AUTOSOMAL DOMINANT; Optic atrophy, cataract, and neurologic disorder; Optic atrophy 3 with cataract. Identifiers: Orphanet 67036, MedGen C1833809, MONDO:0008133, OMIM 165300.

Allele frequency attached by ClinVar (database versions not stated): gnomAD exomes 0.01744; gnomAD 0.08485 and 0.08922; TOPMed 0.09367; 1000 Genomes Project 0.10643; 1000 Genomes Project 30x 0.10915.
gnomAD v4.1: 25,781 of 876,090 alleles (2.9%); highest among the groups gnomAD compares: African/African-American, 26%; 2,045 homozygotes.

Submissions (3):

Illumina Laboratory Services, Illumina
Classification: Benign for 3-Methylglutaconic aciduria type 3. Last evaluated: 2018-01-12. Review status: criteria provided, single submitter. Criteria: ICSL Variant Classification Criteria 13 December 2019. Collection method: clinical testing. Allele origin: germline.
Comment: This variant was observed in the ICSL laboratory as part of a predisposition screen in an ostensibly healthy population. It had not been previously curated by ICSL or reported in the Human Gene Mutation Database (HGMD: prior to June 1st, 2018), and was therefore a candidate for classification through an automated scoring system. Utilizing variant allele frequency, disease prevalence and penetrance estimates, and inheritance mode, an automated score was calculated to assess if this variant is too frequent to cause the disease. Based on the score and internal cut-off values, a variant classified as benign is not then subjected to further curation. The score for this variant resulted in a classification of benign for this disease.

Illumina Laboratory Services, Illumina
Classification: Benign for Optic atrophy 3. Last evaluated: 2018-01-12. Review status: criteria provided, single submitter. Criteria: ICSL Variant Classification Criteria 13 December 2019. Collection method: clinical testing. Allele origin: germline.
Comment: the same text as in the submission from Illumina Laboratory Services, Illumina above.

Breakthrough Genomics
Classification: Benign. Review status: criteria provided, single submitter. Criteria: ACMG Guidelines, 2015. Collection method: not provided. Allele origin: germline. Inheritance: Autosomal recessive inheritance. Affected: yes.